The following is an entry in ClinVar:

ClinVar aggregate classification (germline): Uncertain significance (1 of 4 stars; one submission).

Conditions:
Bardet-Biedl syndrome (BBS). Identifiers: Orphanet 110, MedGen C0752166, MONDO:0015229.

Allele frequency attached by ClinVar (database versions not stated): gnomAD exomes below 0.00001; ExAC 0.00001; gnomAD 0.00001.
gnomAD v4.1: 9 of 1,611,472 alleles (0.00056%); highest among the groups gnomAD compares: Non-Finnish European, 0.00076%; no homozygotes.

Submission:

Labcorp Genetics (formerly Invitae), Labcorp
Classification: Uncertain significance for Bardet-Biedl syndrome. Last evaluated: 2021-12-02. Review status: criteria provided, single submitter. Criteria: Invitae Variant Classification Sherloc (09022015). Collection method: clinical testing. Allele origin: germline.
Comment: In summary, the available evidence is currently insufficient to determine the role of this variant in disease. Therefore, it has been classified as a Variant of Uncertain Significance. Algorithms developed to predict the effect of missense changes on protein structure and function (SIFT, PolyPhen-2, Align-GVGD) all suggest that this variant is likely to be tolerated. This variant has not been reported in the literature in individuals affected with WDPCP-related conditions. This variant is present in population databases (rs748189167, gnomAD 0.007%). This sequence change replaces asparagine, which is neutral and polar, with histidine, which is basic and polar, at codon 717 of the WDPCP protein (p.Asn717His).

NM_015910.7(WDPCP):c.2149A>C (p.Asn717His)

Gene: WDPCP (WD repeat containing planar cell polarity effector; minus strand). Cytogenetic location: 2p15.
Variant type: single nucleotide variant.
Coding change: c.2149A>C on transcript NM_015910.7 (MANE Select); coding-DNA position 2149, A replaced by C.
Protein change: p.Asn717His; replaces asparagine 717 with histidine.
Molecular consequence: missense variant. On other transcripts: non-coding transcript variant (3).
Genome position (GRCh38, 1-based): chr2:63,153,504, T>G on the plus strand (A>C on the coding strand, the complement: WDPCP is on the minus strand). VCF-style: chr2-63153504-T-G. GRCh37 (hg19) VCF-style: chr2-63380639-T-G.
Other names: c.1672A>C, p.Asn558His (NM_001042692.3); c.2077A>C, p.Asn693His (NM_001354044.2); short protein forms N558H, N693H, N717H.
Identifiers: ClinVar variation 1436033 (VCV001436033.6), dbSNP rs748189167, ClinGen allele CA1681991.